The following is an entry in ClinVar:

ClinVar aggregate classification (somatic clinical impact): Tier I - Strong (1 of 4 stars; one submission).

Conditions:
Medulloblastoma SHH activated. Identifiers: MedGen C4330671, MONDO:0850197.

Submission:

Institute for Genomic Medicine (IGM) Clinical Laboratory, Nationwide Children's Hospital
Classification: Tier I - Strong for Medulloblastoma SHH activated. Assertion type: diagnostic. Clinical significance: supports diagnosis. Last evaluated: 2023-02-24. Review status: criteria provided, single submitter. Criteria: AMP/ASCO/CAP Guidelines, 2017. Collection method: clinical testing. Allele origin: somatic. Affected: yes.
Comment: Variant has Tier I (strong) clinical significance as a diagnostic inclusion criterion in medulloblastoma SHH activated, based on the following evidence: 1) Appears in one or more well-established professional guidelines (e.g., World Health Organization [WHO]; National Comprehensive Cancer Network [NCCN]) as providing diagnostic, prognostic, or therapeutic information. 2) Diagnostic for a specific tumor type/classification based on well-powered studies with expert-level consensus (Evidence Level B; PMIDs: 21163964, 22820256, 22832583, 22722829, 28726821, 29753700, 32296180).

Literature cited by the submitters: PubMed 21163964; PubMed 22820256; PubMed 22832583; PubMed 22722829; PubMed 28726821; PubMed 29753700; PubMed 32296180.

NM_000264.5(PTCH1):c.2776T>C (p.Trp926Arg)

Gene: PTCH1 (patched 1; minus strand). Cytogenetic location: 9q22.32.
Variant type: single nucleotide variant.
Coding change: c.2776T>C on transcript NM_000264.5 (MANE Select); coding-DNA position 2776, T replaced by C.
Protein change: p.Trp926Arg; replaces tryptophan 926 with arginine.
Molecular consequence: missense variant. On other transcripts: non-coding transcript variant (1).
Genome position (GRCh38, 1-based): chr9:95,459,711, A>G on the plus strand (T>C on the coding strand, the complement: PTCH1 is on the minus strand). VCF-style: chr9-95459711-A-G. GRCh37 (hg19) VCF-style: chr9-98221993-A-G.
Other names: c.2578T>C, p.Trp860Arg (NM_001083602.3); c.2773T>C, p.Trp925Arg (NM_001083603.3); c.2323T>C, p.Trp775Arg (NM_001083604.3, NM_001083605.3, NM_001083606.3 and 1 more transcripts); c.2620T>C, p.Trp874Arg (NM_001354918.2); short protein forms W775R, W860R, W874R, W925R, W926R.
Identifiers: ClinVar variation 4530396 (VCV004530396.1).